The following is an entry in ClinVar:

NM_006939.4(SOS2):c.858+174_858+175insGGACTGCTTG

Gene: SOS2 (SOS Ras/Rho guanine nucleotide exchange factor 2; minus strand). Cytogenetic location: 14q21.3.
Variant type: Insertion.
Coding change: c.858+174_858+175insGGACTGCTTG on transcript NM_006939.4 (MANE Select); bases 174 to 175 of the intron after coding-DNA position 858, GGACTGCTTG inserted.
Molecular consequence: intron variant.
Genome position: GRCh38 VCF-style: chr14-50182288-T-TCAAGCAGTCC. GRCh37 (hg19) VCF-style: chr14-50649006-T-TCAAGCAGTCC.
Identifiers: ClinVar variation 561530 (VCV000561530.1), dbSNP rs111808923, ClinGen allele CA260708200.

ClinVar aggregate classification (germline): Benign (1 of 4 stars; one submission).

Allele frequency attached by ClinVar (database versions not stated): gnomAD 0.26954; 1000 Genomes Project 0.32109; 1000 Genomes Project 30x 0.33167.

Submission:

GeneDx
Classification: Benign. Last evaluated: 2018-06-16. Review status: criteria provided, single submitter. Criteria: GeneDx Variant Classification (06012015). Collection method: clinical testing. Allele origin: germline. Affected: yes.
Comment: This variant is considered likely benign or benign based on one or more of the following criteria: it is a conservative change, it occurs at a poorly conserved position in the protein, it is predicted to be benign by multiple in silico algorithms, and/or has population frequency not consistent with disease.